The following is an entry in ClinVar:

ClinVar aggregate classification (germline): Uncertain significance (1 of 4 stars; one submission).

Conditions:
Glanzmann thrombasthenia. Also called: Glanzmann's thrombasthenia; BLEEDING DISORDER, PLATELET-TYPE, 2; THROMBASTHENIA OF GLANZMANN AND NAEGELI; Thrombasthenia; PLATELET GLYCOPROTEIN IIb-IIIa DEFICIENCY. Identifiers: Orphanet 849, MedGen C0040015, MONDO:0100326.

Allele frequency attached by ClinVar (database versions not stated): gnomAD exomes below 0.00001; gnomAD 0.00001.
gnomAD v4.1: 5 of 1,613,742 alleles (0.00031%); highest among the groups gnomAD compares: African/African-American, 0.0027%; no homozygotes.

Submission:

Labcorp Genetics (formerly Invitae), Labcorp
Classification: Uncertain significance for Glanzmann thrombasthenia. Last evaluated: 2022-10-27. Review status: criteria provided, single submitter. Criteria: Invitae Variant Classification Sherloc (09022015). Collection method: clinical testing. Allele origin: germline.
Comment: This variant is present in population databases (no rsID available, gnomAD 0.008%). This variant has not been reported in the literature in individuals affected with ITGA2B-related conditions. Algorithms developed to predict the effect of missense changes on protein structure and function are either unavailable or do not agree on the potential impact of this missense change (SIFT: "Tolerated"; PolyPhen-2: "Possibly Damaging"; Align-GVGD: "Class C0"). In summary, the available evidence is currently insufficient to determine the role of this variant in disease. Therefore, it has been classified as a Variant of Uncertain Significance. This sequence change replaces glutamic acid, which is acidic and polar, with lysine, which is basic and polar, at codon 586 of the ITGA2B protein (p.Glu586Lys).

NM_000419.5(ITGA2B):c.1756G>A (p.Glu586Lys)

Gene: ITGA2B (integrin subunit alpha 2b; minus strand). Cytogenetic location: 17q21.31.
Variant type: single nucleotide variant.
Coding change: c.1756G>A on transcript NM_000419.5 (MANE Select); coding-DNA position 1756, G replaced by A.
Protein change: p.Glu586Lys; replaces glutamic acid 586 with lysine.
Molecular consequence: missense variant.
Genome position (GRCh38, 1-based): chr17:44,379,811, C>T on the plus strand (G>A on the coding strand, the complement: ITGA2B is on the minus strand). VCF-style: chr17-44379811-C-T. GRCh37 (hg19) VCF-style: chr17-42457179-C-T.
Other names: short protein forms E586K.
Identifiers: ClinVar variation 2885885 (VCV002885885.3), dbSNP rs1364284895, ClinGen allele CA399801995.